The following is an entry in ClinVar:

NM_015046.7(SETX):c.7287+205C>T

Genes: SETX (senataxin; minus strand), LOC126860782 (P300/CBP strongly-dependent group 1 enhancer GRCh37_chr9:135144739-135145938; plus strand). Cytogenetic location: 9q34.13.
Variant type: single nucleotide variant.
Coding change: c.7287+205C>T on transcript NM_015046.7 (MANE Select); 205 bases into the intron after coding-DNA position 7287, C replaced by T.
Molecular consequence: intron variant. On other transcripts: missense variant (1).
Genome position (GRCh38, 1-based): chr9:132,269,410, G>A on the plus strand (C>T on the coding strand, the complement: SETX is on the minus strand). VCF-style: chr9-132269410-G-A. GRCh37 (hg19) VCF-style: chr9-135144797-G-A.
Other names: c.7367C>T, p.Ala2456Val (NM_001351528.2); c.7287+205C>T (NM_001351527.2); short protein forms A2456V.
Identifiers: ClinVar variation 4998359 (VCV004998359.1).

ClinVar aggregate classification (germline): Uncertain significance (1 of 4 stars; one submission).

Conditions:
SETX-related disorder. Also called: SETX-related condition; SETX-related disorders. Identifiers: MedGen CN239403.

gnomAD v4.1: 1 of 1,561,046 alleles (0.000064%); highest among the groups gnomAD compares: Middle Eastern, 0.017%; no homozygotes.

Submission:

PreventionGenetics, part of Exact Sciences
Classification: Uncertain significance for SETX-related condition. Last evaluated: 2026-05-08. Review status: criteria provided, single submitter. Criteria: ACMG Guidelines, 2015. Collection method: clinical testing. Allele origin: germline.
Comment: The SETX c.7367C>T variant is predicted to result in the amino acid substitution p.Ala2456Val. Of note, this variant can also be reported as c.7287+205C>T in an alternate isoform, NM_015046. To our knowledge, this variant has not been reported in the literature or in a large population database (gnomAD), indicating this variant is rare. At this time, the clinical significance of this variant is uncertain due to the absence of conclusive functional and genetic evidence.